The following is an entry in ClinVar:

ClinVar aggregate classification (germline): Uncertain significance. Review status: criteria provided, multiple submitters, no conflicts (2 of 4 stars). 2 submissions from 2 submitters: Uncertain significance (2). Last evaluated 2025-06-16.

Conditions:
CC2D2A-related disorder. Also called: CC2D2A-related condition; CC2D2A-related disorders. Identifiers: MedGen CN239313.
Joubert syndrome. Also called: JOUBERT-BOLTSHAUSER SYNDROME; Familial aplasia of the vermis. Identifiers: Orphanet 475, MedGen C5979921, MONDO:0018772.
Meckel-Gruber syndrome. Also called: DYSENCEPHALIA SPLANCHNOCYSTICA; GRUBER SYNDROME; Dysencephalia splachnocystica. Identifiers: Orphanet 564, MedGen C0265215, MONDO:0018921.

Allele frequency attached by ClinVar (database versions not stated): TOPMed below 0.00001; gnomAD 0.00001; gnomAD exomes 0.00001; ExAC 0.00002.
gnomAD v4.1: 15 of 1,590,320 alleles (0.00094%); highest among the groups gnomAD compares: Admixed American, 0.0017%; no homozygotes.

Submissions (2):

PreventionGenetics, part of Exact Sciences
Classification: Uncertain significance for CC2D2A-related condition. Last evaluated: 2025-06-16. Review status: criteria provided, single submitter. Criteria: ACMG Guidelines, 2015. Collection method: clinical testing. Allele origin: germline.
Comment: The CC2D2A c.733C>T variant is predicted to result in the amino acid substitution p.Leu245Phe. To our knowledge, this variant has not been reported in the literature. This variant is reported in 0.0032% of alleles in individuals of European (Non-Finnish) descent in gnomAD. At this time, the clinical significance of this variant is uncertain due to the absence of conclusive functional and genetic evidence.

Labcorp Genetics (formerly Invitae), Labcorp
Classification: Uncertain significance for Joubert syndrome; Meckel-Gruber syndrome. Last evaluated: 2022-05-08. Review status: criteria provided, single submitter. Criteria: Invitae Variant Classification Sherloc (09022015). Collection method: clinical testing. Allele origin: germline.
Comment: This sequence change replaces leucine, which is neutral and non-polar, with phenylalanine, which is neutral and non-polar, at codon 245 of the CC2D2A protein (p.Leu245Phe). This variant is present in population databases (rs777249531, gnomAD 0.003%). This variant has not been reported in the literature in individuals affected with CC2D2A-related conditions. Algorithms developed to predict the effect of missense changes on protein structure and function (SIFT, PolyPhen-2, Align-GVGD) all suggest that this variant is likely to be tolerated. In summary, the available evidence is currently insufficient to determine the role of this variant in disease. Therefore, it has been classified as a Variant of Uncertain Significance.

NM_001378615.1(CC2D2A):c.733C>T (p.Leu245Phe)

Genes: CC2D2A (coiled-coil and C2 domain containing 2A; plus strand), FBXL5 (F-box and leucine rich repeat protein 5; minus strand). Cytogenetic location: 4p15.32.
Variant type: single nucleotide variant.
Coding change: c.733C>T on transcript NM_001378615.1 (MANE Select); coding-DNA position 733, C replaced by T.
Protein change: p.Leu245Phe; replaces leucine 245 with phenylalanine.
Molecular consequence: missense variant.
Genome position (GRCh38, 1-based): chr4:15,514,722, C>T. VCF-style: chr4-15514722-C-T. GRCh37 (hg19) VCF-style: chr4-15516345-C-T.
Other names: c.733C>T, p.Leu245Phe (NM_001080522.2); c.586C>T, p.Leu196Phe (NM_001378617.1); short protein forms L245F, L196F.
Identifiers: ClinVar variation 2058938 (VCV002058938.2), dbSNP rs777249531, ClinGen allele CA2863482.